The following is an entry in ClinVar:

NM_000661.5(RPL9):c.10A>G (p.Ile4Val)

Gene: RPL9 (ribosomal protein L9; minus strand). Cytogenetic location: 4p14.
Variant type: single nucleotide variant.
Coding change: c.10A>G on transcript NM_000661.5 (MANE Select); coding-DNA position 10, A replaced by G.
Protein change: p.Ile4Val; replaces isoleucine 4 with valine.
Molecular consequence: missense variant.
Genome position (GRCh38, 1-based): chr4:39,458,430, T>C on the plus strand (A>G on the coding strand, the complement: RPL9 is on the minus strand). VCF-style: chr4-39458430-T-C. GRCh37 (hg19) VCF-style: chr4-39460050-T-C.
Other names: c.10A>G, p.Ile4Val (NM_001024921.4); short protein forms I4V.
Identifiers: ClinVar variation 2731731 (VCV002731731.3), dbSNP rs771618498, ClinGen allele CA2894441.

ClinVar aggregate classification (germline): Uncertain significance (1 of 4 stars; one submission).

Allele frequency attached by ClinVar (database versions not stated): gnomAD 0.00002; TOPMed 0.00002; ExAC 0.00002; gnomAD exomes 0.00002.
gnomAD v4.1: 30 of 1,614,114 alleles (0.0019%); highest among the groups gnomAD compares: Non-Finnish European, 0.0014%; no homozygotes.

Submission:

Labcorp Genetics (formerly Invitae), Labcorp
Classification: Uncertain significance. Last evaluated: 2025-11-28. Review status: criteria provided, single submitter. Criteria: Invitae Variant Classification Sherloc (09022015). Collection method: clinical testing. Allele origin: germline.
Comment: This sequence change replaces isoleucine, which is neutral and non-polar, with valine, which is neutral and non-polar, at codon 4 of the RPL9 protein (p.Ile4Val). This variant is present in population databases (rs771618498, gnomAD 0.03%). This variant has not been reported in the literature in individuals affected with RPL9-related conditions. ClinVar contains an entry for this variant (Variation ID: 2731731). An algorithm developed to predict the effect of missense changes on protein structure and function (PolyPhen-2) suggests that this variant is likely to be tolerated. In summary, the available evidence is currently insufficient to determine the role of this variant in disease. Therefore, it has been classified as a Variant of Uncertain Significance.